The following is an entry in ClinVar:

ClinVar aggregate classification (germline): Benign (3 of 4 stars; one submission).

Conditions:
Breast-ovarian cancer, familial, susceptibility to, 1 (BROVCA1). Also called: BRCA1 Hereditary Breast and Ovarian Cancer; OVARIAN CANCER, SUSCEPTIBILITY TO. Identifiers: Orphanet 145, MedGen C2676676, MONDO:0011450, OMIM 604370. Disease mechanism: loss of function.

Allele frequency attached by ClinVar (database versions not stated): gnomAD 0.49078 and 0.49422; 1000 Genomes Project 30x 0.54997; TOPMed 0.49754; 1000 Genomes Project 0.54453.
gnomAD v4.1: 74,059 of 151,400 alleles (49%); highest among the groups gnomAD compares: African/African-American, 81%; 21,266 homozygotes.

Submission:

Evidence-based Network for the Interpretation of Germline Mutant Alleles (ENIGMA)
Classification: Benign for Breast-ovarian cancer, familial 1. Last evaluated: 2015-01-12. Review status: reviewed by expert panel. Criteria: ENIGMA BRCA1/2 Classification Criteria (2015). Collection method: curation. Allele origin: germline.
Comment: Class 1 not pathogenic based on frequency >1% in an outbred sampleset. Frequency 0.3304 (Asian), 0.1484 (African), 0.3694 (European), derived from 1000 genomes (2012-04-30).

NM_007294.4(BRCA1):c.80+2686A>G

Gene: BRCA1 (BRCA1 DNA repair associated; minus strand). Cytogenetic location: 17q21.31.
Variant type: single nucleotide variant.
Coding change: c.80+2686A>G on transcript NM_007294.4 (MANE Select); 2686 bases into the intron after coding-DNA position 80, A replaced by G.
Molecular consequence: intron variant.
Genome position (GRCh38, 1-based): chr17:43,121,331, T>C on the plus strand (A>G on the coding strand, the complement: BRCA1 is on the minus strand). VCF-style: chr17-43121331-T-C. GRCh37 (hg19) VCF-style: chr17-41273348-T-C.
Other names: IVS 2+2686A>G; c.-61-5552A>G (NM_001408458.1); c.-219+3946A>G (NM_001407967.1); c.-170+3946A>G (NM_001407959.1); c.-8+3946A>G (NM_001407931.1, NM_001407747.1); c.-224+3946A>G (NM_001407962.1, NM_001408512.1, NM_001408510.1); c.-109+3946A>G (NM_001407885.1); c.-62+3946A>G (NM_001408470.1, NM_001407848.1, NM_001407839.1 and 6 more transcripts); and 23 more.
Identifiers: ClinVar variation 209561 (VCV000209561.2), dbSNP rs799902, ClinGen allele CA276530.